The following is an entry in ClinVar:

ClinVar aggregate classification (germline): Uncertain significance (1 of 4 stars; one submission).

Conditions:
Cataract 38. Also called: Cataract, autosomal recessive congenital 5; Cataract 38, autosomal recessive. Identifiers: Orphanet 91492, MedGen C3553494, MONDO:0013859, OMIM 614691.
Sengers syndrome. Also called: MITOCHONDRIAL DNA DEPLETION SYNDROME 10 (CARDIOMYOPATHIC TYPE); Cardiomyopathy and cataract. Identifiers: Orphanet 1369, MedGen C1859317, MONDO:0008922, OMIM 212350.

Submission:

Labcorp Genetics (formerly Invitae), Labcorp
Classification: Uncertain significance for Sengers syndrome; Cataract 38. Last evaluated: 2022-01-03. Review status: criteria provided, single submitter. Criteria: Invitae Variant Classification Sherloc (09022015). Collection method: clinical testing. Allele origin: germline.
Comment: In summary, the available evidence is currently insufficient to determine the role of this variant in disease. Therefore, it has been classified as a Variant of Uncertain Significance. Algorithms developed to predict the effect of missense changes on protein structure and function are either unavailable or do not agree on the potential impact of this missense change (SIFT: "Deleterious"; PolyPhen-2: "Possibly Damaging"; Align-GVGD: "Class C0"). This variant has not been reported in the literature in individuals affected with AGK-related conditions. This variant is not present in population databases (gnomAD no frequency). This sequence change replaces glycine, which is neutral and non-polar, with arginine, which is basic and polar, at codon 349 of the AGK protein (p.Gly349Arg).

NM_018238.4(AGK):c.1045G>C (p.Gly349Arg)

Gene: AGK (acylglycerol kinase; plus strand). Cytogenetic location: 7q34.
Variant type: single nucleotide variant.
Coding change: c.1045G>C on transcript NM_018238.4 (MANE Select); coding-DNA position 1045, G replaced by C.
Protein change: p.Gly349Arg; replaces glycine 349 with arginine.
Molecular consequence: missense variant.
Genome position (GRCh38, 1-based): chr7:141,649,332, G>C. VCF-style: chr7-141649332-G-C. GRCh37 (hg19) VCF-style: chr7-141349132-G-C.
Other names: c.1045G>C, p.Gly349Arg (NM_001364948.3); short protein forms G349R.
Identifiers: ClinVar variation 2073020 (VCV002073020.4), dbSNP rs2485489648, ClinGen allele CA369541346.
Genomic context (GRCh38, chr7:141,649,332, plus strand): 5'-GATTTTCTGAATATCTGCATTGAACCTGACACCATCAGCAAAGGAGACTTTATAACTATA[G>C]GGTAAGTGGACTGGGGTTCACAGGAAATGAGGCTTGTGATTTTCTCAGATTTTACTATTC-3'
Protein context (NP_060708.1, residues 339-359): TISKGDFITI[Gly349Arg]SRKVRNPKLH